The following is an entry in ClinVar:

NM_003000.3(SDHB):c.22T>C (p.Ser8Pro)

Gene: SDHB (succinate dehydrogenase complex iron sulfur subunit B; minus strand). Cytogenetic location: 1p36.13.
Variant type: single nucleotide variant.
Coding change: c.22T>C on transcript NM_003000.3 (MANE Select); coding-DNA position 22, T replaced by C.
Protein change: p.Ser8Pro; replaces serine 8 with proline.
Molecular consequence: missense variant.
Genome position (GRCh38, 1-based): chr1:17,053,998, A>G on the plus strand (T>C on the coding strand, the complement: SDHB is on the minus strand). VCF-style: chr1-17053998-A-G. GRCh37 (hg19) VCF-style: chr1-17380493-A-G.
Other names: short protein forms S8P.
Identifiers: ClinVar variation 936036 (VCV000936036.11), dbSNP rs777447369, ClinGen allele CA089549.
Genomic context (GRCh38, chr1:17,053,998, plus strand): 5'-CAGGACTCACCTGCAGGCAGGCTCCGCCAAGGGTTGTGGCCGGCAACCGGCGCCTCAAGG[A>G]GAGGGCGACCACCGCCGCCATCTTGGCTCCTGACGTCAGCCCCACCCCTTAACCCCGAGG-3'
Protein context (NP_002991.2, residues 1-18): MAAVVAL[Ser8Pro]LRRRLPATTL

ClinVar aggregate classification (germline): Uncertain significance. Review status: criteria provided, multiple submitters, no conflicts (2 of 4 stars). 3 submissions from 3 submitters: Uncertain significance (3). Last evaluated 2025-09-28.

Conditions:
Hereditary cancer-predisposing syndrome. Also called: Hereditary neoplastic syndrome; Neoplastic Syndromes, Hereditary; Hereditary Cancer Syndrome; Tumor predisposition. Identifiers: Orphanet 140162, MedGen C0027672, MeSH D009386, MONDO:0015356.
Gastrointestinal stromal tumor. Also called: Gastrointestinal stromal tumor, somatic; Gastrointestinal stroma tumor. Identifiers: Orphanet 44890, MedGen C0238198, MeSH D046152, MONDO:0011719, OMIM 606764, HP:0100723.
Pheochromocytoma/paraganglioma syndrome 4. Also called: CAROTID BODY TUMORS AND MULTIPLE EXTRAADRENAL PHEOCHROMOCYTOMAS; SDHB-Related Hereditary Paraganglioma-Pheochromocytoma Syndrome; Paragangliomas 4; SDHB-Related Hereditary Paraganglioma-Pheochromocytoma Syndrome (Paragangliomas 4); PARAGANGLIOMA, FAMILIAL MALIGNANT; PARAGANGLIOMAS, HEREDITARY EXTRAADRENAL. Identifiers: Orphanet 29072, MedGen C1861848, MONDO:0007273, OMIM 115310.
Pheochromocytoma. Also called: MAX-Related Hereditary Paraganglioma-Pheochromocytoma Syndrome. Identifiers: Orphanet 29072, MedGen C0031511, MONDO:0008233, OMIM 171300, HP:0002666.
Hereditary pheochromocytoma and paraganglioma. Also called: Hereditary pheochromocytoma-paraganglioma; Hereditary Paraganglioma-Pheochromocytoma Syndromes; Hereditary paragangliomas and pheochromocytomas. Identifiers: Orphanet 29072, MedGen C4274332, MONDO:0017366.

Allele frequency attached by ClinVar (database versions not stated): gnomAD exomes below 0.00001 and 0.00001; ExAC 0.00001.
gnomAD v4.1: 2 of 1,612,738 alleles (0.00012%); highest among the groups gnomAD compares: Non-Finnish European, 0.00017%; no homozygotes.

Submissions (3):

Ambry Genetics
Classification: Uncertain significance for Hereditary cancer-predisposing syndrome. Last evaluated: 2025-09-28. Review status: criteria provided, single submitter. Criteria: Ambry Variant Classification Scheme 2023. Collection method: clinical testing. Allele origin: germline.
Comment: The p.S8P variant (also known as c.22T>C), located in coding exon 1 of the SDHB gene, results from a T to C substitution at nucleotide position 22. The serine at codon 8 is replaced by proline, an amino acid with similar properties. This amino acid position is highly conserved in available vertebrate species. In addition, this alteration is predicted to be deleterious by in silico analysis. Since supporting evidence is limited at this time, the clinical significance of this alteration remains unclear.

Labcorp Genetics (formerly Invitae), Labcorp
Classification: Uncertain significance for Gastrointestinal stromal tumor; Pheochromocytoma/paraganglioma syndrome 4; Pheochromocytoma. Last evaluated: 2025-08-13. Review status: criteria provided, single submitter. Criteria: Invitae Variant Classification Sherloc (09022015). Collection method: clinical testing. Allele origin: germline.
Comment: This sequence change replaces serine, which is neutral and polar, with proline, which is neutral and non-polar, at codon 8 of the SDHB protein (p.Ser8Pro). The frequency data for this variant in the population databases is considered unreliable, as metrics indicate poor data quality at this position in the gnomAD database. This variant has not been reported in the literature in individuals affected with SDHB-related conditions. ClinVar contains an entry for this variant (Variation ID: 936036). Invitae Evidence Modeling of protein sequence and biophysical properties (such as structural, functional, and spatial information, amino acid conservation, physicochemical variation, residue mobility, and thermodynamic stability) has been performed for this missense variant. However, the output from this modeling did not meet the statistical confidence thresholds required to predict the impact of this variant on SDHB protein function. In summary, the available evidence is currently insufficient to determine the role of this variant in disease. Therefore, it has been classified as a Variant of Uncertain Significance.

Color Diagnostics, LLC DBA Color Health
Classification: Uncertain significance for Hereditary pheochromocytoma and paraganglioma. Last evaluated: 2025-07-25. Review status: criteria provided, single submitter. Criteria: ACMG Guidelines, 2015. Collection method: clinical testing. Allele origin: germline.
Comment: This missense variant replaces serine with proline at codon 8 of the SDHB protein. Computational prediction is inconclusive regarding the impact of this variant on protein structure and function. To our knowledge, functional studies have not been reported for this variant. This variant has not been reported in individuals affected with SDHB-related disorders in the literature. This variant has been identified in 2/242830 chromosomes in the general population by the Genome Aggregation Database (gnomAD). The available evidence is insufficient to determine the role of this variant in disease conclusively. Therefore, this variant is classified as a Variant of Uncertain Significance.